The following is an entry in ClinVar:

NM_001999.4(FBN2):c.218_219delinsAG (p.Arg73Gln)

Gene: FBN2 (fibrillin 2; minus strand). Cytogenetic location: 5q23.3.
Variant type: Indel.
Coding change: c.218_219delinsAG on transcript NM_001999.4 (MANE Select); coding-DNA positions 218 to 219, GC replaced by AG.
Protein change: p.Arg73Gln; replaces arginine 73 with glutamine.
Molecular consequence: missense variant.
Genome position (GRCh38, 1-based): chr5:128,537,385-128,537,386, GC replaced by CT on the plus strand (GC replaced by AG on the coding strand, the reverse complement: FBN2 is on the minus strand). VCF-style: chr5-128537385-GC-CT. GRCh37 (hg19) VCF-style: chr5-127873078-GC-CT.
Other names: short protein forms R73Q.
Identifiers: ClinVar variation 4775994 (VCV004775994.1).

ClinVar aggregate classification (germline): Uncertain significance (1 of 4 stars; one submission).

Conditions:
Congenital contractural arachnodactyly (CCA). Also called: BEALS SYNDROME; Arthrogryposis, distal, type 9; Beals-Hecht syndrome. Identifiers: Orphanet 115, MedGen C0220668, MONDO:0007363, OMIM 121050.

Submission:

Labcorp Genetics (formerly Invitae), Labcorp
Classification: Uncertain significance for Congenital contractural arachnodactyly. Last evaluated: 2025-06-17. Review status: criteria provided, single submitter. Criteria: Invitae Variant Classification Sherloc (09022015). Collection method: clinical testing. Allele origin: germline.
Comment: This sequence change replaces arginine, which is basic and polar, with glutamine, which is neutral and polar, at codon 73 of the FBN2 protein (p.Arg73Gln). Information on the frequency of this variant in the gnomAD database is not available, as this variant may be reported differently in the database. This variant has not been reported in the literature in individuals affected with FBN2-related conditions. Experimental studies and prediction algorithms are not available or were not evaluated, and the functional significance of this variant is currently unknown. In summary, the available evidence is currently insufficient to determine the role of this variant in disease. Therefore, it has been classified as a Variant of Uncertain Significance.